The following is an entry in ClinVar:

NM_001197104.2(KMT2A):c.1190G>A (p.Arg397Lys)

Gene: KMT2A (lysine methyltransferase 2A; plus strand). Cytogenetic location: 11q23.3.
Variant type: single nucleotide variant.
Coding change: c.1190G>A on transcript NM_001197104.2 (MANE Select); coding-DNA position 1190, G replaced by A.
Protein change: p.Arg397Lys; replaces arginine 397 with lysine.
Molecular consequence: missense variant.
Genome position (GRCh38, 1-based): chr11:118,472,349, G>A. VCF-style: chr11-118472349-G-A. GRCh37 (hg19) VCF-style: chr11-118343064-G-A.
Other names: c.1289G>A, p.Arg430Lys (NM_001412597.1); c.1190G>A, p.Arg397Lys (NM_005933.4); short protein forms R397K, R430K.
Identifiers: ClinVar variation 1945545 (VCV001945545.6), dbSNP rs781933899, ClinGen allele CA6303374.
Genomic context (GRCh38, chr11:118,472,349, plus strand): 5'-AGAGGGCAAAAAAGGGGGCTCAAAAGAAAATTGAAAAAGAAGCAGCTCAGCTGCAGGGAA[G>A]AAAGGTGAAGACACAGGTCAAAAATATTCGACAGTTCATCATGCCTGTTGTCAGTGCTAT-3'
Protein context (NP_001184033.1, residues 387-407): IEKEAAQLQG[Arg397Lys]KVKTQVKNIR

ClinVar aggregate classification (germline): Conflicting classifications of pathogenicity. Review status: criteria provided, conflicting classifications (1 of 4 stars). 2 submissions from 2 submitters: Uncertain significance (1); Likely benign (1). Last evaluated 2025-07-31.

Conditions:
Inborn genetic diseases. Identifiers: MedGen C0950123, MeSH D030342.

Allele frequency attached by ClinVar (database versions not stated): gnomAD 0.00001; gnomAD exomes 0.00001; TOPMed 0.00002; ExAC 0.00004.
gnomAD v4.1: 9 of 1,614,014 alleles (0.00056%); highest among the groups gnomAD compares: Admixed American, 0.015%; no homozygotes.

Submissions (2):

Labcorp Genetics (formerly Invitae), Labcorp
Classification: Uncertain significance. Last evaluated: 2025-07-31. Review status: criteria provided, single submitter. Criteria: Invitae Variant Classification Sherloc (09022015). Collection method: clinical testing. Allele origin: germline.
Comment: This sequence change replaces arginine, which is basic and polar, with lysine, which is basic and polar, at codon 397 of the KMT2A protein (p.Arg397Lys). This variant is present in population databases (rs781933899, gnomAD 0.03%). This variant has not been reported in the literature in individuals affected with KMT2A-related conditions. ClinVar contains an entry for this variant (Variation ID: 1945545). Invitae Evidence Modeling of protein sequence and biophysical properties (such as structural, functional, and spatial information, amino acid conservation, physicochemical variation, residue mobility, and thermodynamic stability) indicates that this missense variant is not expected to disrupt KMT2A protein function with a negative predictive value of 95%. In summary, the available evidence is currently insufficient to determine the role of this variant in disease. Therefore, it has been classified as a Variant of Uncertain Significance.

Ambry Genetics
Classification: Likely benign for Inborn genetic diseases. Last evaluated: 2025-04-03. Review status: criteria provided, single submitter. Criteria: Ambry Variant Classification Scheme 2023. Collection method: clinical testing. Allele origin: germline.